The following is an entry in ClinVar:

ClinVar aggregate classification (germline): Likely pathogenic (1 of 4 stars; one submission).

Conditions:
Early-infantile DEE. Also called: Ohtahara syndrome; Early infantile epileptic encephalopathy; Early infantile epileptic encephalopathy with suppression bursts. Identifiers: Orphanet 1934, MedGen C0393706, MONDO:0800491.

Submission:

Labcorp Genetics (formerly Invitae), Labcorp
Classification: Likely pathogenic for Early-infantile DEE. Last evaluated: 2024-08-08. Review status: criteria provided, single submitter. Criteria: Invitae Variant Classification Sherloc (09022015). Collection method: clinical testing. Allele origin: germline.
Comment: This sequence change affects a splice site in intron 17 of the CACNA2D2 gene. It is expected to disrupt RNA splicing. Variants that disrupt the donor or acceptor splice site typically lead to a loss of protein function (PMID: 16199547), and loss-of-function variants in CACNA2D2 are known to be pathogenic (PMID: 24358150). This variant is not present in population databases (gnomAD no frequency). This variant has not been reported in the literature in individuals affected with CACNA2D2-related conditions. In summary, the currently available evidence indicates that the variant is pathogenic, but additional data are needed to prove that conclusively. Therefore, this variant has been classified as Likely Pathogenic.

Literature cited by the submitters: PubMed 16199547; PubMed 24358150.

NM_006030.4(CACNA2D2):c.1626+1_1626+32del

Gene: CACNA2D2 (calcium voltage-gated channel auxiliary subunit alpha2delta 2; minus strand). Cytogenetic location: 3p21.31.
Variant type: Deletion.
Coding change: c.1626+1_1626+32del on transcript NM_006030.4 (MANE Select); the canonical splice donor site of the intron after coding-DNA position 1626 through 32 bases into the intron after coding-DNA position 1626, 32 bases deleted.
Molecular consequence: splice donor variant.
Genome position (GRCh38, 1-based): chr3:50,377,435-50,377,466, 32 bases deleted; deleting any 32 consecutive bases within chr3:50,377,435-50,377,467 gives the same sequence; the c. name uses the placement nearest the transcript's 3' end. GRCh37 (hg19): chr3:50,414,867-50,414,898.
Other names: c.1419+1_1419+32del (NM_001291101.1); c.1626+1_1626+32del (NM_001005505.3, NM_001410768.1, NM_001174051.3).
Identifiers: ClinVar variation 3661758 (VCV003661758.2).